The following is an entry in ClinVar:

ClinVar aggregate classification (germline): Likely pathogenic. Review status: reviewed by expert panel (3 of 4 stars). 4 submissions from 4 submitters: Likely pathogenic (1). 3 of the submissions do not count toward it. Last evaluated 2020-07-27.

Conditions:
Phenylketonuria (PKU). Also called: Phenylketonuria (PKU); FOLLING DISEASE; OLIGOPHRENIA PHENYLPYRUVICA; Phenylketonurias. Identifiers: Orphanet 716, MedGen C0031485, MONDO:0009861, OMIM 261600. Disease mechanism: loss of function.

Submissions (4):

ClinGen PAH Variant Curation Expert Panel
Classification: Likely pathogenic for Phenylketonuria. Last evaluated: 2020-07-27. Review status: reviewed by expert panel. Criteria: ClinGen PAH ACMG Specifications v1. Collection method: curation. Allele origin: germline. Inheritance: Autosomal recessive inheritance.
Comment: The NM_000277.1(PAH):c.935G>A (p.Gly312Asp) variant is a missense variant in exon 9/13 of PAH. It has been reported in at least 3 PKU cases in presumed trans with other Pathogenic variants (PM3; 1.5 points total), in two of whom BH4 deficiency was excluded (PP4_Moderate). It has been previously reported in presumed trans with the p.R241C variant (Pathogenic per ClinGen PAH VCEP) in two cases with mild PKU (plasma Phe 600â€“1200â€‰Î¼mol/L) and BH4 deficiency excluded (PMID: 30459323). It has also been reported in presumed trans with the p. R408W variant (Pathogenic by ClinGen PAH VCEP) in a patient with classic PKU and with undefined BH4 responsiveness. The variant is absent from ethnically diverse control databases, including gnomAD/ExAC, 1000 Genomes, and ESP (PM2). The variant is predicted damaging by multiple in-silico missense predictors, including REVEL (REVEL score 0.958) (PP3). Classification: Likely Pathogenic Supporting Criteria: PM2; PM3; PP4_Moderate; PP3

Labcorp Genetics (formerly Invitae), Labcorp
Classification: Pathogenic for Phenylketonuria. Last evaluated: 2025-01-07. Review status: criteria provided, single submitter. Criteria: Invitae Variant Classification Sherloc (09022015). Collection method: clinical testing. Allele origin: germline. Not counted in ClinVar's aggregate classification.
Comment: This sequence change replaces glycine, which is neutral and non-polar, with aspartic acid, which is acidic and polar, at codon 312 of the PAH protein (p.Gly312Asp). This variant is not present in population databases (gnomAD no frequency). This missense change has been observed in individual(s) with hyperphenylalaninemia (PMID: 24350308, 30459323, 32668217, 38105685). ClinVar contains an entry for this variant (Variation ID: 102901). Invitae Evidence Modeling of protein sequence and biophysical properties (such as structural, functional, and spatial information, amino acid conservation, physicochemical variation, residue mobility, and thermodynamic stability) indicates that this missense variant is expected to disrupt PAH protein function with a positive predictive value of 80%. This variant disrupts the p.Gly312 amino acid residue in PAH. Other variant(s) that disrupt this residue have been determined to be pathogenic (PMID: 24401910, 28982351). This suggests that this residue is clinically significant, and that variants that disrupt this residue are likely to be disease-causing. For these reasons, this variant has been classified as Pathogenic.

Baylor Genetics
Classification: Likely pathogenic for Phenylketonuria. Last evaluated: 2023-05-16. Review status: criteria provided, single submitter. Criteria: ACMG Guidelines, 2015. Collection method: clinical testing. Allele origin: unknown. Not counted in ClinVar's aggregate classification.

DeBelle Laboratory for Biochemical Genetics, MUHC/MCH RESEARCH INSTITUTE
No classification provided. Review status: no classification provided. Collection method: not provided. Allele origin: not provided. Not counted in ClinVar's aggregate classification.

Literature cited by the submitters: PubMed 24350308 (cited by ClinGen PAH Variant Curation Expert Panel and Labcorp Genetics (formerly Invitae), Labcorp); PubMed 30459323 (cited by Labcorp Genetics (formerly Invitae), Labcorp); PubMed 32668217 (cited by Labcorp Genetics (formerly Invitae), Labcorp); PubMed 38105685 (cited by Labcorp Genetics (formerly Invitae), Labcorp); PubMed 24401910 (cited by Labcorp Genetics (formerly Invitae), Labcorp); PubMed 28982351 (cited by Labcorp Genetics (formerly Invitae), Labcorp).

NM_000277.3(PAH):c.935G>A (p.Gly312Asp)

Gene: PAH (phenylalanine hydroxylase; minus strand). Cytogenetic location: 12q23.2.
Variant type: single nucleotide variant.
Coding change: c.935G>A on transcript NM_000277.3 (MANE Select); coding-DNA position 935, G replaced by A.
Protein change: p.Gly312Asp; replaces glycine 312 with aspartic acid.
Molecular consequence: missense variant.
Genome position (GRCh38, 1-based): chr12:102,846,929, C>T on the plus strand (G>A on the coding strand, the complement: PAH is on the minus strand). VCF-style: chr12-102846929-C-T. GRCh37 (hg19) VCF-style: chr12-103240707-C-T.
Other names: c.935G>A, p.Gly312Asp (NM_001354304.2); short protein forms G312D.
Identifiers: ClinVar variation 102901 (VCV000102901.5), dbSNP rs62642915, ClinGen allele CA229857.